The following is an entry in ClinVar:

NM_053013.4(ENO3):c.1291C>A (p.Pro431Thr)

Gene: ENO3 (enolase 3; plus strand). Cytogenetic location: 17p13.2.
Variant type: single nucleotide variant.
Coding change: c.1291C>A on transcript NM_053013.4 (MANE Select); coding-DNA position 1291, C replaced by A.
Protein change: p.Pro431Thr; replaces proline 431 with threonine.
Molecular consequence: missense variant.
Genome position (GRCh38, 1-based): chr17:4,957,033, C>A. VCF-style: chr17-4957033-C-A. GRCh37 (hg19) VCF-style: chr17-4860328-C-A.
Other names: c.1162C>A, p.Pro388Thr (NM_001193503.2); c.1291C>A, p.Pro431Thr (NM_001374523.1, NM_001976.5); c.1318C>A, p.Pro440Thr (NM_001374524.1); short protein forms P388T, P431T, P440T.
Identifiers: ClinVar variation 1460648 (VCV001460648.6), dbSNP rs1821447881, ClinGen allele CA397296125.
Genomic context (GRCh38, chr17:4,957,033, plus strand): 5'-TCTAGGATCGAGGAGGCTCTTGGGGACAAGGCAATCTTTGCTGGACGCAAGTTCCGTAAC[C>A]CGAAGGCCAAGTGAGAAGCTGGAGGCTCCAGGACTCCACTGGACAGACCCAGGTCTTCCA-3'
Protein context (NP_443739.3, residues 421-434): AIFAGRKFRN[Pro431Thr]KAK

ClinVar aggregate classification (germline): Uncertain significance (1 of 4 stars; one submission).

Conditions:
Glycogen storage disease due to muscle beta-enolase deficiency (GSD13). Also called: ENOLASE 3 DEFICIENCY; ENOLASE-BETA DEFICIENCY; GSD XIII; Glycogen Storage Disease Type XIII. Identifiers: Orphanet 99849, MedGen C2752027, MONDO:0013046, OMIM 612932.

Submission:

Labcorp Genetics (formerly Invitae), Labcorp
Classification: Uncertain significance for Glycogen storage disease due to muscle beta-enolase deficiency. Last evaluated: 2025-06-20. Review status: criteria provided, single submitter. Criteria: Invitae Variant Classification Sherloc (09022015). Collection method: clinical testing. Allele origin: germline.
Comment: This sequence change replaces proline, which is neutral and non-polar, with threonine, which is neutral and polar, at codon 431 of the ENO3 protein (p.Pro431Thr). This variant is not present in population databases (gnomAD no frequency). This variant has not been reported in the literature in individuals affected with ENO3-related conditions. ClinVar contains an entry for this variant (Variation ID: 1460648). An algorithm developed to predict the effect of missense changes on protein structure and function (PolyPhen-2) suggests that this variant is likely to be disruptive. In summary, the available evidence is currently insufficient to determine the role of this variant in disease. Therefore, it has been classified as a Variant of Uncertain Significance.